The following is an entry in ClinVar:

ClinVar aggregate classification (germline): Likely benign. Review status: criteria provided, multiple submitters, no conflicts (2 of 4 stars). 2 submissions from 2 submitters: Likely benign (2). Last evaluated 2022-07-01.

Allele frequency attached by ClinVar (database versions not stated): ExAC below 0.00001; gnomAD 0.00003; TOPMed 0.00006.
gnomAD v4.1: 102 of 1,375,862 alleles (0.0074%); highest among the groups gnomAD compares: Non-Finnish European, 0.0091%; no homozygotes.

Submissions (2):

CeGaT Center for Human Genetics Tuebingen
Classification: Likely benign. Last evaluated: 2022-07-01. Review status: criteria provided, single submitter. Criteria: CeGaT Center For Human Genetics Tuebingen Variant Classification Criteria Version 2. Collection method: clinical testing. Allele origin: germline. Affected: yes. Observed: 1 variant allele.
Comment: TRIO: BP4, BP7

Labcorp Genetics (formerly Invitae), Labcorp
Classification: Likely benign. Last evaluated: 2019-01-11. Review status: criteria provided, single submitter. Criteria: Invitae Variant Classification Sherloc (09022015). Collection method: clinical testing. Allele origin: germline.

NM_007118.4(TRIO):c.7131T>A (p.Pro2377=)

Gene: TRIO (trio Rho guanine nucleotide exchange factor; plus strand). Cytogenetic location: 5p15.2.
Variant type: single nucleotide variant.
Coding change: c.7131T>A on transcript NM_007118.4 (MANE Select); coding-DNA position 7131, T replaced by A.
Protein change: p.Pro2377=; no amino-acid change (proline 2377 retained).
Molecular consequence: synonymous variant.
Genome position (GRCh38, 1-based): chr5:14,487,759, T>A. VCF-style: chr5-14487759-T-A. GRCh37 (hg19) VCF-style: chr5-14487868-T-A.
Identifiers: ClinVar variation 742922 (VCV000742922.34), dbSNP rs762813571, ClinGen allele CA3207335.